The following is an entry in ClinVar:

NM_003872.3(NRP2):c.2312T>C (p.Val771Ala)

Gene: NRP2 (neuropilin 2; plus strand). Cytogenetic location: 2q33.3.
Variant type: single nucleotide variant.
Coding change: c.2312T>C on transcript NM_003872.3 (MANE Select); coding-DNA position 2312, T replaced by C.
Protein change: p.Val771Ala; replaces valine 771 with alanine.
Molecular consequence: missense variant.
Genome position (GRCh38, 1-based): chr2:205,765,478, T>C. VCF-style: chr2-205765478-T-C. GRCh37 (hg19) VCF-style: chr2-206630202-T-C.
Other names: c.2312T>C, p.Val771Ala (NM_018534.4, NM_201266.2, NM_201267.2 and 1 more transcripts); short protein forms V771A.
Identifiers: ClinVar variation 3352374 (VCV003352374.2).

ClinVar aggregate classification (germline): Uncertain significance. Review status: criteria provided, single submitter (1 of 4 stars). 2 submissions from 2 submitters: Uncertain significance (1). 1 of the submissions does not count toward it. Last evaluated 2025-08-03.

Conditions:
NRP2-related disorder. Also called: NRP2-related condition.

gnomAD v4.1: 10 of 1,613,740 alleles (0.00062%); highest among the groups gnomAD compares: African/African-American, 0.0053%; no homozygotes.

Submissions (2):

Ambry Genetics
Classification: Uncertain significance. Last evaluated: 2025-08-03. Review status: criteria provided, single submitter. Criteria: Ambry Variant Classification Scheme 2023. Collection method: clinical testing. Allele origin: germline.

PreventionGenetics, part of Exact Sciences
Classification: Uncertain significance for NRP2-related condition. Last evaluated: 2024-06-26. Review status: no assertion criteria provided. Collection method: clinical testing. Allele origin: germline. Not counted in ClinVar's aggregate classification.
Comment: The NRP2 c.2312T>C variant is predicted to result in the amino acid substitution p.Val771Ala. To our knowledge, this variant has not been reported in the literature. This variant is reported in 0.0080% of alleles in individuals of African descent in gnomAD. At this time, the clinical significance of this variant is uncertain due to the absence of conclusive functional and genetic evidence.